The following is an entry in ClinVar:

ClinVar aggregate classification (germline): Uncertain significance (1 of 4 stars; one submission).

Submission:

GeneDx
Classification: Uncertain significance. Last evaluated: 2025-03-30. Review status: criteria provided, single submitter. Criteria: GeneDx Variant Classification Process June 2021. Collection method: clinical testing. Allele origin: germline. Affected: yes.
Comment: Not observed at significant frequency in large population cohorts (gnomAD); In silico analysis supports that this missense variant has a deleterious effect on protein structure/function; Has not been previously published as pathogenic or benign to our knowledge

NM_006445.4(PRPF8):c.1615C>T (p.Arg539Cys)

Gene: PRPF8 (pre-mRNA processing factor 8; minus strand). Cytogenetic location: 17p13.3.
Variant type: single nucleotide variant.
Coding change: c.1615C>T on transcript NM_006445.4 (MANE Select); coding-DNA position 1615, C replaced by T.
Protein change: p.Arg539Cys; replaces arginine 539 with cysteine.
Molecular consequence: missense variant.
Genome position (GRCh38, 1-based): chr17:1,678,866, G>A on the plus strand (C>T on the coding strand, the complement: PRPF8 is on the minus strand). VCF-style: chr17-1678866-G-A. GRCh37 (hg19) VCF-style: chr17-1582160-G-A.
Other names: short protein forms R539C.
Identifiers: ClinVar variation 4278764 (VCV004278764.1).
Genomic context (GRCh38, chr17:1,678,866, plus strand): 5'-CCACCACCAGCTTAGTCAAACGCAGAACTTCCCGACACAGGTGGAAAGCATTCCCAAAAC[G>A]AGATTTCTTTCTTTCCTGGAGAAGATGCAAAAAACAGACAGAACGTGAATGAGCAATGGA-3'
Protein context (NP_006436.3, residues 529-549): TLTTKERKKS[Arg539Cys]FGNAFHLCRE